The following is an entry in ClinVar:

ClinVar aggregate classification (germline): Uncertain significance (1 of 4 stars; one submission).

Submission:

Labcorp Genetics (formerly Invitae), Labcorp
Classification: Uncertain significance. Last evaluated: 2025-06-04. Review status: criteria provided, single submitter. Criteria: Invitae Variant Classification Sherloc (09022015). Collection method: clinical testing. Allele origin: germline.
Comment: This sequence change replaces proline, which is neutral and non-polar, with alanine, which is neutral and non-polar, at codon 185 of the MAGEL2 protein (p.Pro185Ala). This variant is not present in population databases (gnomAD no frequency). This variant has not been reported in the literature in individuals affected with MAGEL2-related conditions. Experimental studies and prediction algorithms are not available or were not evaluated, and the functional significance of this variant is currently unknown. In summary, the available evidence is currently insufficient to determine the role of this variant in disease. Therefore, it has been classified as a Variant of Uncertain Significance.

NM_019066.5(MAGEL2):c.553C>G (p.Pro185Ala)

Gene: MAGEL2 (MAGE family member L2; minus strand). Cytogenetic location: 15q11.2.
Variant type: single nucleotide variant.
Coding change: c.553C>G on transcript NM_019066.5 (MANE Select); coding-DNA position 553, C replaced by G.
Protein change: p.Pro185Ala; replaces proline 185 with alanine.
Molecular consequence: missense variant.
Genome position (GRCh38, 1-based): chr15:23,647,190, G>C on the plus strand (C>G on the coding strand, the complement: MAGEL2 is on the minus strand). VCF-style: chr15-23647190-G-C. GRCh37 (hg19) VCF-style: chr15-23892337-G-C.
Other names: short protein forms P185A.
Identifiers: ClinVar variation 4761982 (VCV004761982.1).
Genomic context (GRCh38, chr15:23,647,190, plus strand): 5'-GAGGGGGAGGATGAGCCATCGGTGTCCCCGGAGGGGGAGGATGAGCCATCGGGGTCCCCG[G>C]AGGAGGAGGATGCACCATCGGGGTCCCCGGAGGAGGAGGATGGGCCATCGGGGTCCCCGG-3'
Protein context (NP_061939.3, residues 175-195): PGTPMVHPPP[Pro185Ala]GTPMAHPPPP